The following is an entry in ClinVar:

NM_016614.3(TDP2):c.844G>C (p.Asp282His)

Gene: TDP2 (tyrosyl-DNA phosphodiesterase 2; minus strand). Cytogenetic location: 6p22.3.
Variant type: single nucleotide variant.
Coding change: c.844G>C on transcript NM_016614.3 (MANE Select); coding-DNA position 844, G replaced by C.
Protein change: p.Asp282His; replaces aspartic acid 282 with histidine.
Molecular consequence: missense variant.
Genome position (GRCh38, 1-based): chr6:24,651,033, C>G on the plus strand (G>C on the coding strand, the complement: TDP2 is on the minus strand). VCF-style: chr6-24651033-C-G. GRCh37 (hg19) VCF-style: chr6-24651261-C-G.
Other names: short protein forms D282H.
Identifiers: ClinVar variation 4855743 (VCV004855743.1).

ClinVar aggregate classification (germline): Uncertain significance (1 of 4 stars; one submission).

Conditions:
Spinocerebellar ataxia, autosomal recessive 23. Also called: Autosomal recessive cerebellar ataxia - epilepsy - intellectual disability syndrome due to TUD deficiency. Identifiers: Orphanet 404493, MedGen C4750914, MONDO:0014846, OMIM 616949.

Submission:

3billion
Classification: Uncertain significance for Spinocerebellar ataxia, autosomal recessive 23. Last evaluated: 2025-11-13. Review status: criteria provided, single submitter. Criteria: ACMG Guidelines, 2015. Collection method: clinical testing. Allele origin: germline. Affected: yes.
Comment: The variant is not observed in the gnomAD v4.1.0 dataset. Predicted Consequence/Location: Missense variant. The majority of the known disease-causing variants of this gene are variants expected to result in premature termination of the protein. Therefore, this variant is classified as VUS according to the recommendation of ACMG/AMP guideline.